The following is an entry in ClinVar:

ClinVar aggregate classification (germline): Uncertain significance (1 of 4 stars; one submission).

Conditions:
Nemaline myopathy 2 (NEM2). Also called: Nemaline myopathy 2, autosomal recessive. Identifiers: MedGen C1850569, MONDO:0009725, OMIM 256030.

Submission:

Labcorp Genetics (formerly Invitae), Labcorp
Classification: Uncertain significance for Nemaline myopathy 2. Last evaluated: 2022-07-17. Review status: criteria provided, single submitter. Criteria: Invitae Variant Classification Sherloc (09022015). Collection method: clinical testing. Allele origin: germline.
Comment: This sequence change replaces isoleucine, which is neutral and non-polar, with methionine, which is neutral and non-polar, at codon 1918 of the NEB protein (p.Ile1918Met). This variant is not present in population databases (gnomAD no frequency). This variant has not been reported in the literature in individuals affected with NEB-related conditions. Algorithms developed to predict the effect of missense changes on protein structure and function are either unavailable or do not agree on the potential impact of this missense change (SIFT: "Deleterious"; PolyPhen-2: "Not Available"; Align-GVGD: "Class C0"). In summary, the available evidence is currently insufficient to determine the role of this variant in disease. Therefore, it has been classified as a Variant of Uncertain Significance.

NM_001164508.2(NEB):c.5754T>G (p.Ile1918Met)

Gene: NEB (nebulin; minus strand). Cytogenetic location: 2q23.3.
Variant type: single nucleotide variant.
Coding change: c.5754T>G on transcript NM_001164508.2 (MANE Select); coding-DNA position 5754, T replaced by G.
Protein change: p.Ile1918Met; replaces isoleucine 1918 with methionine.
Molecular consequence: missense variant.
Genome position (GRCh38, 1-based): chr2:151,663,557, A>C on the plus strand (T>G on the coding strand, the complement: NEB is on the minus strand). VCF-style: chr2-151663557-A-C. GRCh37 (hg19) VCF-style: chr2-152520071-A-C.
Other names: c.5754T>G, p.Ile1918Met (NM_001164507.2, NM_001271208.2, NM_004543.5); short protein forms I1918M.
Identifiers: ClinVar variation 1717027 (VCV001717027.3), dbSNP rs2552256125, ClinGen allele CA348807156.